The following is an entry in ClinVar:

NC_000005.9:g.(?_156074454)_(156074566_?)dup

Gene: SGCD (sarcoglycan delta; plus strand). Cytogenetic location: 5q33.3.
Variant type: Duplication.
Identifiers: ClinVar variation 1496331 (VCV001496331.7).

ClinVar aggregate classification (germline): Likely pathogenic (1 of 4 stars; one submission).

Conditions:
Autosomal recessive limb-girdle muscular dystrophy type 2F (LGMDR6). Also called: MUSCULAR DYSTROPHY, LIMB-GIRDLE, AUTOSOMAL RECESSIVE 6; Muscular dystrophy limb-girdle with delta-sarcoglyan deficiency. Identifiers: Orphanet 219, MedGen C1832525, MONDO:0011028, OMIM 601287. Disease mechanism: Affects gamma-sarcoglycan and also disrupts the integrity of the entire sarcoglycan complex..

Submission:

Labcorp Genetics (formerly Invitae), Labcorp
Classification: Likely pathogenic for Autosomal recessive limb-girdle muscular dystrophy type 2F. Last evaluated: 2023-02-26. Review status: criteria provided, single submitter. Criteria: Invitae Variant Classification Sherloc (09022015). Collection method: clinical testing. Allele origin: germline.
Comment: This variant results in a copy number gain of the genomic region encompassing exon(s) 7 of the SGCD gene. While the exact position of this variant cannot be determined from the data, sub-genic copy number gains are generally in tandem (PMID: 25640679). This variant is predicted to be out-of-frame, and may result in an absent or disrupted protein product. Loss-of-function variants in SGCD are known to be pathogenic (PMID: 8841194, 10735275, 10838250). This variant has not been reported in the literature in individuals affected with SGCD-related conditions. In summary, the currently available evidence indicates that the variant is pathogenic, but additional data are needed to prove that conclusively. Therefore, this variant has been classified as Likely Pathogenic.

Literature cited by the submitters: PubMed 25640679; PubMed 8841194; PubMed 10735275; PubMed 10838250.